The following is an entry in ClinVar:

ClinVar aggregate classification (germline): Conflicting classifications of pathogenicity. Review status: criteria provided, conflicting classifications (1 of 4 stars). 3 submissions from 3 submitters: Uncertain significance (1); Likely benign (2). Last evaluated 2025-05-12.

Conditions:
Nemaline myopathy 5 (NEM5A). Also called: NEMALINE MYOPATHY, AMISH TYPE; Nemaline myopathy 5, Amish type; NEMALINE MYOPATHY 5A, AUTOSOMAL RECESSIVE, SEVERE INFANTILE. Identifiers: Orphanet 98902, MedGen C1854380, MONDO:0011539, OMIM 605355.

Allele frequency attached by ClinVar (database versions not stated): TOPMed 0.00008; ESP Exome Variant Server 0.00031.

Submissions (3):

Labcorp Genetics (formerly Invitae), Labcorp
Classification: Likely benign for Nemaline myopathy 5. Last evaluated: 2025-05-12. Review status: criteria provided, single submitter. Criteria: Invitae Variant Classification Sherloc (09022015). Collection method: clinical testing. Allele origin: germline.

Illumina Laboratory Services, Illumina
Classification: Uncertain significance for Nemaline myopathy 5. Last evaluated: 2018-01-13. Review status: criteria provided, single submitter. Criteria: ICSL Variant Classification Criteria 13 December 2019. Collection method: clinical testing. Allele origin: germline.

GeneDx
Classification: Likely benign. Last evaluated: 2016-08-17. Review status: criteria provided, single submitter. Criteria: GeneDx Variant Classification (06012015). Collection method: clinical testing. Allele origin: germline. Affected: yes.
Comment: This variant is considered likely benign or benign based on one or more of the following criteria: it is a conservative change, it occurs at a poorly conserved position in the protein, it is predicted to be benign by multiple in silico algorithms, and/or has population frequency not consistent with disease.

NM_003283.6(TNNT1):c.611+12G>A

Gene: TNNT1 (troponin T1, slow skeletal type; minus strand). Cytogenetic location: 19q13.42.
Variant type: single nucleotide variant.
Coding change: c.611+12G>A on transcript NM_003283.6 (MANE Select); 12 bases into the intron after coding-DNA position 611, G replaced by A.
Molecular consequence: intron variant.
Genome position (GRCh38, 1-based): chr19:55,137,091, C>T on the plus strand (G>A on the coding strand, the complement: TNNT1 is on the minus strand). VCF-style: chr19-55137091-C-T. GRCh37 (hg19) VCF-style: chr19-55648459-C-T.
Other names: c.578+12G>A (NM_001126133.3, NM_001291774.2); c.611+12G>A (NM_001126132.3).
Identifiers: ClinVar variation 388590 (VCV000388590.12), dbSNP rs376456377, ClinGen allele CA9667355.